The following is an entry in ClinVar:

NM_001358530.2(MOCS1):c.757+5G>T

Gene: MOCS1 (molybdenum cofactor synthesis 1; minus strand). Cytogenetic location: 6p21.2.
Variant type: single nucleotide variant.
Coding change: c.757+5G>T on transcript NM_001358530.2 (MANE Select); 5 bases into the intron after coding-DNA position 757, G replaced by T.
Molecular consequence: intron variant.
Genome position (GRCh38, 1-based): chr6:39,913,312, C>A on the plus strand (G>T on the coding strand, the complement: MOCS1 is on the minus strand). VCF-style: chr6-39913312-C-A. GRCh37 (hg19) VCF-style: chr6-39881056-C-A.
Other names: c.496+5G>T (NM_001358531.2, NM_001358533.2, NM_001358534.2); c.757+5G>T (NM_001358529.2, NM_001075098.4, NM_005943.6).
Identifiers: ClinVar variation 2085542 (VCV002085542.4), dbSNP rs2482312980, ClinGen allele CA2580074501.

ClinVar aggregate classification (germline): Uncertain significance (1 of 4 stars; one submission).

Conditions:
Sulfite oxidase deficiency due to molybdenum cofactor deficiency type A. Also called: Molybdenum cofactor deficiency, complementation group A; Molybdenum Cofactor Deficiency A. Identifiers: Orphanet 308386, Orphanet 833, MedGen C1854988, MONDO:0009643, OMIM 252150.

Submission:

Labcorp Genetics (formerly Invitae), Labcorp
Classification: Uncertain significance for Sulfite oxidase deficiency due to molybdenum cofactor deficiency type A. Last evaluated: 2022-08-09. Review status: criteria provided, single submitter. Criteria: Invitae Variant Classification Sherloc (09022015). Collection method: clinical testing. Allele origin: germline.
Comment: In summary, the available evidence is currently insufficient to determine the role of this variant in disease. Therefore, it has been classified as a Variant of Uncertain Significance. Variants that disrupt the consensus splice site are a relatively common cause of aberrant splicing (PMID: 17576681, 9536098). Experimental studies and prediction algorithms are not available or were not evaluated, and the effect of this variant on mRNA splicing is currently unknown. This variant has not been reported in the literature in individuals affected with MOCS1-related conditions. This variant is not present in population databases (gnomAD no frequency). This sequence change falls in intron 6 of the MOCS1 gene. It does not directly change the encoded amino acid sequence of the MOCS1 protein. It affects a nucleotide within the consensus splice site.

Literature cited by the submitters: PubMed 17576681; PubMed 9536098.